The following is an entry in ClinVar:

NM_001365999.1(SZT2):c.9160G>T (p.Val3054Leu)

Gene: SZT2 (SZT2 subunit of KICSTOR complex; plus strand). Cytogenetic location: 1p34.2.
Variant type: single nucleotide variant.
Coding change: c.9160G>T on transcript NM_001365999.1 (MANE Select); coding-DNA position 9160, G replaced by T.
Protein change: p.Val3054Leu; replaces valine 3054 with leucine.
Molecular consequence: missense variant.
Genome position (GRCh38, 1-based): chr1:43,447,042, G>T. VCF-style: chr1-43447042-G-T. GRCh37 (hg19) VCF-style: chr1-43912713-G-T.
Other names: c.8989G>T, p.Val2997Leu (NM_015284.4); short protein forms V2997L, V3054L.
Identifiers: ClinVar variation 3369698 (VCV003369698.1).

ClinVar aggregate classification (germline): Uncertain significance (1 of 4 stars; one submission).

gnomAD v4.1: 3 of 1,613,792 alleles (0.00019%); highest among the groups gnomAD compares: African/African-American, 0.0027%; no homozygotes.

Submission:

GeneDx
Classification: Uncertain significance. Last evaluated: 2024-03-15. Review status: criteria provided, single submitter. Criteria: GeneDx Variant Classification Process June 2021. Collection method: clinical testing. Allele origin: germline. Affected: yes.
Comment: Not observed at significant frequency in large population cohorts (gnomAD); In silico analysis supports that this missense variant does not alter protein structure/function; Has not been previously published as pathogenic or benign to our knowledge